The following is an entry in ClinVar:

NM_001440.4(EXTL3):c.905C>A (p.Thr302Asn)

Gene: EXTL3 (exostosin like glycosyltransferase 3; plus strand). Cytogenetic location: 8p21.1.
Variant type: single nucleotide variant.
Coding change: c.905C>A on transcript NM_001440.4 (MANE Select); coding-DNA position 905, C replaced by A.
Protein change: p.Thr302Asn; replaces threonine 302 with asparagine.
Molecular consequence: missense variant.
Genome position (GRCh38, 1-based): chr8:28,716,964, C>A. VCF-style: chr8-28716964-C-A. GRCh37 (hg19) VCF-style: chr8-28574481-C-A.
Other names: short protein forms T302N.
Identifiers: ClinVar variation 1350220 (VCV001350220.8), dbSNP rs1801164691, ClinGen allele CA370857767.
Genomic context (GRCh38, chr8:28,716,964, plus strand): 5'-CAGATACACAGAACCTTCTCTATAACGTCAGTACTGGCCGTGCCATGGTGGCCCAGTCCA[C>A]CTTCTACACTGTCCAGTACAGACCTGGCTTTGACTTGGTCGTATCACCGCTGGTCCATGC-3'
Protein context (NP_001431.1, residues 292-312): STGRAMVAQS[Thr302Asn]FYTVQYRPGF

ClinVar aggregate classification (germline): Uncertain significance (1 of 4 stars; one submission).

Allele frequency attached by ClinVar (database versions not stated): gnomAD exomes below 0.00001.
gnomAD v4.1: 6 of 1,614,224 alleles (0.00037%); highest among the groups gnomAD compares: Non-Finnish European, 0.00051%; no homozygotes.

Submission:

Labcorp Genetics (formerly Invitae), Labcorp
Classification: Uncertain significance. Last evaluated: 2022-02-05. Review status: criteria provided, single submitter. Criteria: Invitae Variant Classification Sherloc (09022015). Collection method: clinical testing. Allele origin: germline.
Comment: In summary, the available evidence is currently insufficient to determine the role of this variant in disease. Therefore, it has been classified as a Variant of Uncertain Significance. Algorithms developed to predict the effect of missense changes on protein structure and function (SIFT, PolyPhen-2, Align-GVGD) all suggest that this variant is likely to be tolerated. This variant has not been reported in the literature in individuals affected with EXTL3-related conditions. This variant is not present in population databases (gnomAD no frequency). This sequence change replaces threonine, which is neutral and polar, with asparagine, which is neutral and polar, at codon 302 of the EXTL3 protein (p.Thr302Asn).